The following is an entry in ClinVar:

ClinVar aggregate classification (germline): Uncertain significance (1 of 4 stars; one submission).

Conditions:
Spinocerebellar ataxia type 19/22 (SCA19). Also called: SPINOCEREBELLAR ATAXIA 19; SPINOCEREBELLAR ATAXIA 22. Identifiers: Orphanet 98772, MedGen C1846367, MONDO:0011819, OMIM 607346.

Allele frequency attached by ClinVar (database versions not stated): ESP Exome Variant Server 0.00008.
gnomAD v4.1: 1 of 1,613,736 alleles (0.000062%); no homozygotes.

Submission:

Labcorp Genetics (formerly Invitae), Labcorp
Classification: Uncertain significance for Spinocerebellar ataxia type 19/22. Last evaluated: 2023-04-26. Review status: criteria provided, single submitter. Criteria: Invitae Variant Classification Sherloc (09022015). Collection method: clinical testing. Allele origin: germline.
Comment: In summary, the available evidence is currently insufficient to determine the role of this variant in disease. Therefore, it has been classified as a Variant of Uncertain Significance. Advanced modeling of protein sequence and biophysical properties (such as structural, functional, and spatial information, amino acid conservation, physicochemical variation, residue mobility, and thermodynamic stability) performed at Invitae indicates that this missense variant is not expected to disrupt KCND3 protein function. This variant has not been reported in the literature in individuals affected with KCND3-related conditions. This variant is not present in population databases (gnomAD no frequency). This sequence change replaces serine, which is neutral and polar, with leucine, which is neutral and non-polar, at codon 223 of the KCND3 protein (p.Ser223Leu).

NM_001378969.1(KCND3):c.668C>T (p.Ser223Leu)

Gene: KCND3 (potassium voltage-gated channel subfamily D member 3; minus strand). Cytogenetic location: 1p13.2.
Variant type: single nucleotide variant.
Coding change: c.668C>T on transcript NM_001378969.1 (MANE Select); coding-DNA position 668, C replaced by T.
Protein change: p.Ser223Leu; replaces serine 223 with leucine.
Molecular consequence: missense variant.
Genome position (GRCh38, 1-based): chr1:111,982,059, G>A on the plus strand (C>T on the coding strand, the complement: KCND3 is on the minus strand). VCF-style: chr1-111982059-G-A. GRCh37 (hg19) VCF-style: chr1-112524681-G-A.
Other names: c.668C>T, p.Ser223Leu (NM_001378970.1, NM_004980.5, NM_172198.3); short protein forms S223L.
Identifiers: ClinVar variation 2913516 (VCV002913516.3), dbSNP rs374809927, ClinGen allele CA29326289.